The following is an entry in ClinVar:

ClinVar aggregate classification (germline): Conflicting classifications of pathogenicity. Review status: criteria provided, conflicting classifications (1 of 4 stars). 4 submissions from 4 submitters: Uncertain significance (3); Likely benign (1). Last evaluated 2025-07-01.

Conditions:
Branchiooculofacial syndrome (BOFS). Also called: BOF SYNDROME; HEMANGIOMATOUS BRANCHIAL CLEFTS-LIP PSEUDOCLEFT SYNDROME; LIP PSEUDOCLEFT-HEMANGIOMATOUS BRANCHIAL CYST SYNDROME; Branchio-Oculo-Facial Syndrome. Identifiers: Orphanet 1297, MedGen C0376524, MeSH D019280, MONDO:0007235, OMIM 113620.

Allele frequency attached by ClinVar (database versions not stated): gnomAD exomes 0.00001 and 0.00003; gnomAD 0.00002 and 0.00003; ExAC 0.00003; TOPMed 0.00007.
gnomAD v4.1: 44 of 1,612,550 alleles (0.0027%); highest among the groups gnomAD compares: East Asian, 0.04%; no homozygotes.

Submissions (4):

CeGaT Center for Human Genetics Tuebingen
Classification: Likely benign. Last evaluated: 2025-07-01. Review status: criteria provided, single submitter. Criteria: CeGaT Center For Human Genetics Tuebingen Variant Classification Criteria Version 2. Collection method: clinical testing. Allele origin: germline. Affected: yes. Observed: 1 variant allele.
Comment: TFAP2A: BS2

Labcorp Genetics (formerly Invitae), Labcorp
Classification: Uncertain significance. Last evaluated: 2024-11-25. Review status: criteria provided, single submitter. Criteria: Invitae Variant Classification Sherloc (09022015). Collection method: clinical testing. Allele origin: germline.
Comment: This sequence change replaces threonine, which is neutral and polar, with alanine, which is neutral and non-polar, at codon 33 of the TFAP2A protein (p.Thr33Ala). This variant is present in population databases (rs9368354, gnomAD 0.04%). This variant has not been reported in the literature in individuals affected with TFAP2A-related conditions. ClinVar contains an entry for this variant (Variation ID: 1392071). Invitae Evidence Modeling of protein sequence and biophysical properties (such as structural, functional, and spatial information, amino acid conservation, physicochemical variation, residue mobility, and thermodynamic stability) indicates that this missense variant is not expected to disrupt TFAP2A protein function with a negative predictive value of 80%. In summary, the available evidence is currently insufficient to determine the role of this variant in disease. Therefore, it has been classified as a Variant of Uncertain Significance.

Revvity Omics, Revvity
Classification: Uncertain significance for Branchiooculofacial syndrome. Last evaluated: 2022-09-02. Review status: criteria provided, single submitter. Criteria: ACMG Guidelines, 2015. Collection method: clinical testing. Allele origin: germline.

Fulgent Genetics
Classification: Uncertain significance for Branchiooculofacial syndrome. Last evaluated: 2022-05-23. Review status: criteria provided, single submitter. Criteria: ACMG Guidelines, 2015. Collection method: clinical testing. Allele origin: unknown.

NM_001372066.1(TFAP2A):c.103A>G (p.Thr35Ala)

Gene: TFAP2A (transcription factor AP-2 alpha; minus strand). Cytogenetic location: 6p24.3.
Variant type: single nucleotide variant.
Coding change: c.103A>G on transcript NM_001372066.1 (MANE Select); coding-DNA position 103, A replaced by G.
Protein change: p.Thr35Ala; replaces threonine 35 with alanine.
Molecular consequence: missense variant.
Genome position (GRCh38, 1-based): chr6:10,410,284, T>C on the plus strand (A>G on the coding strand, the complement: TFAP2A is on the minus strand). VCF-style: chr6-10410284-T-C. GRCh37 (hg19) VCF-style: chr6-10410517-T-C.
Other names: c.79A>G, p.Thr27Ala (NM_001032280.3); c.85A>G, p.Thr29Ala (NM_001042425.3); short protein forms T35A, T27A, T29A.
Identifiers: ClinVar variation 1392071 (VCV001392071.19), dbSNP rs9368354, ClinGen allele CA3631413.